The following is an entry in ClinVar:

NM_022773.4(LMF1):c.428C>T (p.Thr143Met)

Gene: LMF1 (lipase maturation factor 1; minus strand). Cytogenetic location: 16p13.3.
Variant type: single nucleotide variant.
Coding change: c.428C>T on transcript NM_022773.4 (MANE Select); coding-DNA position 428, C replaced by T.
Protein change: p.Thr143Met; replaces threonine 143 with methionine.
Molecular consequence: missense variant. On other transcripts: 5 prime UTR variant (3), non-coding transcript variant (1).
Genome position (GRCh38, 1-based): chr16:954,432, G>A on the plus strand (C>T on the coding strand, the complement: LMF1 is on the minus strand). VCF-style: chr16-954432-G-A. GRCh37 (hg19) VCF-style: chr16-1004432-G-A.
Other names: c.-376C>T (NM_001352017.2); c.-127C>T (NM_001352018.2); c.101C>T, p.Thr34Met (NM_001352019.2); c.428C>T, p.Thr143Met (NM_001352020.1); c.-278C>T (NM_001352021.2); short protein forms T34M, T143M.
Identifiers: ClinVar variation 1739414 (VCV001739414.6), dbSNP rs375529211, ClinGen allele CA7797648.

ClinVar aggregate classification (germline): Conflicting classifications of pathogenicity. Review status: criteria provided, conflicting classifications (1 of 4 stars). 2 submissions from 2 submitters: Uncertain significance (1); Likely benign (1). Last evaluated 2024-09-05.

Conditions:
Cardiovascular phenotype. Identifiers: MedGen CN230736.

Allele frequency attached by ClinVar (database versions not stated): gnomAD 0.00009; gnomAD exomes 0.00009; TOPMed 0.00009; ESP Exome Variant Server 0.00016; ExAC 0.00019; 1000 Genomes Project 30x 0.00047; 1000 Genomes Project 0.00060.
gnomAD v4.1: 145 of 1,612,982 alleles (0.009%); highest among the groups gnomAD compares: East Asian, 0.049%; no homozygotes.

Submissions (2):

Ambry Genetics
Classification: Likely benign for Cardiovascular phenotype. Last evaluated: 2024-09-05. Review status: criteria provided, single submitter. Criteria: Ambry Variant Classification Scheme 2023. Collection method: clinical testing. Allele origin: germline.

Labcorp Genetics (formerly Invitae), Labcorp
Classification: Uncertain significance. Last evaluated: 2022-04-15. Review status: criteria provided, single submitter. Criteria: Invitae Variant Classification Sherloc (09022015). Collection method: clinical testing. Allele origin: germline.
Comment: This sequence change replaces threonine, which is neutral and polar, with methionine, which is neutral and non-polar, at codon 143 of the LMF1 protein (p.Thr143Met). This variant is present in population databases (rs375529211, gnomAD 0.07%). This missense change has been observed in individual(s) with severe hypertriglyceridemia (PMID: 30037590). Algorithms developed to predict the effect of missense changes on protein structure and function are either unavailable or do not agree on the potential impact of this missense change (SIFT: "Deleterious"; PolyPhen-2: "Benign"; Align-GVGD: "Class C0"). Experimental studies are conflicting or provide insufficient evidence to determine the effect of this variant on LMF1 function (PMID: 30037590). In summary, the available evidence is currently insufficient to determine the role of this variant in disease. Therefore, it has been classified as a Variant of Uncertain Significance.

Literature cited by the submitters: PubMed 30037590 (cited by Ambry Genetics and Labcorp Genetics (formerly Invitae), Labcorp); PubMed 32190547 (cited by Ambry Genetics).